The following is an entry in ClinVar:

ClinVar aggregate classification (germline): Pathogenic (1 of 4 stars; one submission).

Submission:

Labcorp Genetics (formerly Invitae), Labcorp
Classification: Pathogenic. Last evaluated: 2024-01-31. Review status: criteria provided, single submitter. Criteria: Invitae Variant Classification Sherloc (09022015). Collection method: clinical testing. Allele origin: germline.
Comment: This sequence change creates a premature translational stop signal (p.Trp399*) in the P3H2 gene. It is expected to result in an absent or disrupted protein product. Loss-of-function variants in P3H2 are known to be pathogenic (PMID: 24172257, 25469533). This variant is not present in population databases (gnomAD no frequency). This variant has not been reported in the literature in individuals affected with P3H2-related conditions. For these reasons, this variant has been classified as Pathogenic.

Literature cited by the submitters: PubMed 24172257; PubMed 25469533.

NM_018192.4(P3H2):c.1197G>A (p.Trp399Ter)

Gene: P3H2 (prolyl 3-hydroxylase 2; minus strand). Cytogenetic location: 3q28.
Variant type: single nucleotide variant.
Coding change: c.1197G>A on transcript NM_018192.4 (MANE Select); coding-DNA position 1197, G replaced by A.
Protein change: p.Trp399Ter; replaces tryptophan 399 with a stop codon.
Molecular consequence: nonsense.
Genome position (GRCh38, 1-based): chr3:189,984,582, C>T on the plus strand (G>A on the coding strand, the complement: P3H2 is on the minus strand). VCF-style: chr3-189984582-C-T. GRCh37 (hg19) VCF-style: chr3-189702371-C-T.
Other names: c.654G>A, p.Trp218Ter (NM_001134418.2); short protein forms W218*, W399*.
Identifiers: ClinVar variation 3633288 (VCV003633288.2).